The following is an entry in ClinVar:

NM_015909.4(NBAS):c.2373G>A (p.Trp791Ter)

Gene: NBAS (NBAS subunit of NRZ tethering complex; minus strand). Cytogenetic location: 2p24.3.
Variant type: single nucleotide variant.
Coding change: c.2373G>A on transcript NM_015909.4 (MANE Select); coding-DNA position 2373, G replaced by A.
Protein change: p.Trp791Ter; replaces tryptophan 791 with a stop codon.
Molecular consequence: nonsense. On other transcripts: non-coding transcript variant (1).
Genome position (GRCh38, 1-based): chr2:15,427,761, C>T on the plus strand (G>A on the coding strand, the complement: NBAS is on the minus strand). VCF-style: chr2-15427761-C-T. GRCh37 (hg19) VCF-style: chr2-15567885-C-T.
Other names: short protein forms W791*.
Identifiers: ClinVar variation 2129562 (VCV002129562.5), dbSNP rs927816752, ClinGen allele CA42634233.

ClinVar aggregate classification (germline): Pathogenic/Likely pathogenic. Review status: criteria provided, multiple submitters, no conflicts (2 of 4 stars). 2 submissions from 2 submitters: Pathogenic (1); Likely pathogenic (1). Last evaluated 2026-04-22.

Conditions:
Monogenic short statue.

Allele frequency attached by ClinVar (database versions not stated): TOPMed below 0.00001; gnomAD 0.00001.
gnomAD v4.1: 1 of 1,613,198 alleles (0.000062%); highest among the groups gnomAD compares: Non-Finnish European, 0.000085%; no homozygotes.

Submissions (2):

NHS Central & South Genomic Laboratory Hub
Classification: Likely pathogenic for Monogenic short statue. Last evaluated: 2026-04-22. Review status: criteria provided, single submitter. Criteria: ACMG Guidelines, 2015. Collection method: clinical testing. Allele origin: germline. Affected: yes.

Labcorp Genetics (formerly Invitae), Labcorp
Classification: Pathogenic. Last evaluated: 2024-11-04. Review status: criteria provided, single submitter. Criteria: Invitae Variant Classification Sherloc (09022015). Collection method: clinical testing. Allele origin: germline.
Comment: This sequence change creates a premature translational stop signal (p.Trp791*) in the NBAS gene. It is expected to result in an absent or disrupted protein product. Loss-of-function variants in NBAS are known to be pathogenic (PMID: 26073778, 26541327, 27789416, 28031453). This variant is not present in population databases (gnomAD no frequency). This variant has not been reported in the literature in individuals affected with NBAS-related conditions. ClinVar contains an entry for this variant (Variation ID: 2129562). Algorithms developed to predict the effect of sequence changes on RNA splicing suggest that this variant may disrupt the consensus splice site. For these reasons, this variant has been classified as Pathogenic.

Literature cited by the submitters: PubMed 26073778 (cited by Labcorp Genetics (formerly Invitae), Labcorp); PubMed 26541327 (cited by Labcorp Genetics (formerly Invitae), Labcorp); PubMed 27789416 (cited by Labcorp Genetics (formerly Invitae), Labcorp); PubMed 28031453 (cited by Labcorp Genetics (formerly Invitae), Labcorp).